The following is an entry in ClinVar:

NM_017619.4(RNPC3):c.1024_1025delinsCC (p.Asn342Pro)

Gene: RNPC3 (RNA binding region (RNP1, RRM) containing 3; plus strand). Cytogenetic location: 1p21.1.
Variant type: Indel.
Coding change: c.1024_1025delinsCC on transcript NM_017619.4 (MANE Select); coding-DNA positions 1024 to 1025, AA replaced by CC.
Protein change: p.Asn342Pro; replaces asparagine 342 with proline.
Molecular consequence: missense variant.
Genome position (GRCh38, 1-based): chr1:103,543,426-103,543,427, AA replaced by CC. VCF-style: chr1-103543426-AA-CC. GRCh37 (hg19) VCF-style: chr1-104086048-AA-CC.
Other names: short protein forms N342P.
Identifiers: ClinVar variation 2570729 (VCV002570729.28), dbSNP rs2524124593, ClinGen allele CA2580612933.

ClinVar aggregate classification (germline): Conflicting classifications of pathogenicity. Review status: criteria provided, conflicting classifications (1 of 4 stars). 2 submissions from 2 submitters: Uncertain significance (1); Likely benign (1). Last evaluated 2026-06-04.

Submissions (2):

Women's Health and Genetics/Laboratory Corporation of America, LabCorp
Classification: Uncertain significance. Last evaluated: 2026-06-04. Review status: criteria provided, single submitter. Criteria: LabCorp Variant Classification Summary - May 2015. Collection method: clinical testing. Allele origin: germline.
Comment: Variant summary: RNPC3 c.1024_1025delinsCC (p.Asn342Pro) results in a non-conservative amino acid change in the encoded protein sequence. Algorithms developed to predict the effect of missense changes on protein structure and function are either unavailable or do not agree on the potential impact of this missense change. The variant allele was found at a frequency of 0.0015 in 1510122 control chromosomes, predominantly at a frequency of 0.0019 within the Non-Finnish European subpopulation in the gnomAD database, including 6 homozygotes. This frequency is not significantly higher than estimated for disease-causing variants in RNPC3, allowing no conclusion about variant significance. To our knowledge, no occurrence of c.1024_1025delinsCC in individuals affected with RNPC3-related conditions and no experimental evidence demonstrating its impact on protein function have been reported. ClinVar contains an entry for this variant (Variation ID: 2570729). Based on the evidence outlined above, the variant was classified as uncertain significance.

CeGaT Center for Human Genetics Tuebingen
Classification: Likely benign. Last evaluated: 2023-04-01. Review status: criteria provided, single submitter. Criteria: CeGaT Center For Human Genetics Tuebingen Variant Classification Criteria Version 2. Collection method: clinical testing. Allele origin: germline. Affected: yes. Observed: 1 variant allele.
Comment: RNPC3: BP4